The following is an entry in ClinVar:

ClinVar aggregate classification (germline): Uncertain significance. Review status: criteria provided, multiple submitters, no conflicts (2 of 4 stars). 2 submissions from 2 submitters: Uncertain significance (2). Last evaluated 2025-02-18.

Conditions:
Neuropathy, hereditary sensory and autonomic, type 2A (HSAN2A). Also called: ACROOSTEOLYSIS, GIACCAI TYPE; ACROOSTEOLYSIS, NEUROGENIC; MORVAN DISEASE; NEUROPATHY, CONGENITAL SENSORY; NEUROPATHY, HEREDITARY SENSORY RADICULAR, AUTOSOMAL RECESSIVE; NEUROPATHY, HEREDITARY SENSORY, TYPE IIA. Identifiers: Orphanet 970, MedGen C2752089, MONDO:0024309, OMIM 201300.
Pseudohypoaldosteronism type 2C (PHA2C). Also called: Pseudohypoaldosteronism Type IIC. Identifiers: Orphanet 757, Orphanet 88940, MedGen C1840391, MONDO:0013778, OMIM 614492.

Allele frequency attached by ClinVar (database versions not stated): gnomAD exomes below 0.00001 and 0.00001; TOPMed below 0.00001.
gnomAD v4.1: 3 of 1,614,172 alleles (0.00019%); highest among the groups gnomAD compares: Admixed American, 0.0017%; no homozygotes.

Submissions (2):

Women's Health and Genetics/Laboratory Corporation of America, LabCorp
Classification: Uncertain significance. Last evaluated: 2025-02-18. Review status: criteria provided, single submitter. Criteria: LabCorp Variant Classification Summary - May 2015. Collection method: clinical testing. Allele origin: germline.
Comment: Variant summary: WNK1 c.4405C>G (p.Pro1469Ala) results in a non-conservative amino acid change in the encoded protein sequence. Four of five in-silico tools predict a benign effect of the variant on protein function. The variant allele was found at a frequency of 1.2e-05 in 250724 control chromosomes (gnomAD). The available data on variant occurrences in the general population are insufficient to allow any conclusion about variant significance. To our knowledge, no occurrence of c.4405C>G in individuals affected with Neuropathy, hereditary sensory and autonomic, type 2A and no experimental evidence demonstrating its impact on protein function have been reported. ClinVar contains an entry for this variant (Variation ID: 1414213). Based on the evidence outlined above, the variant was classified as uncertain significance.

Labcorp Genetics (formerly Invitae), Labcorp
Classification: Uncertain significance for Neuropathy, hereditary sensory and autonomic, type 2A; Pseudohypoaldosteronism type 2C. Last evaluated: 2024-01-02. Review status: criteria provided, single submitter. Criteria: Invitae Variant Classification Sherloc (09022015). Collection method: clinical testing. Allele origin: germline.
Comment: This sequence change replaces proline, which is neutral and non-polar, with alanine, which is neutral and non-polar, at codon 1721 of the WNK1 protein (p.Pro1721Ala). This variant is present in population databases (no rsID available, gnomAD 0.009%). This variant has not been reported in the literature in individuals affected with WNK1-related conditions. ClinVar contains an entry for this variant (Variation ID: 1414213). Advanced modeling of protein sequence and biophysical properties (such as structural, functional, and spatial information, amino acid conservation, physicochemical variation, residue mobility, and thermodynamic stability) performed at Invitae indicates that this missense variant is not expected to disrupt WNK1 protein function with a negative predictive value of 95%. In summary, the available evidence is currently insufficient to determine the role of this variant in disease. Therefore, it has been classified as a Variant of Uncertain Significance.

NM_018979.4(WNK1):c.4405C>G (p.Pro1469Ala)

Gene: WNK1 (WNK lysine deficient protein kinase 1; plus strand). Cytogenetic location: 12p13.33.
Variant type: single nucleotide variant.
Coding change: c.4405C>G on transcript NM_018979.4 (MANE Select); coding-DNA position 4405, C replaced by G.
Protein change: p.Pro1469Ala; replaces proline 1469 with alanine.
Molecular consequence: missense variant.
Genome position (GRCh38, 1-based): chr12:885,209, C>G. VCF-style: chr12-885209-C-G. GRCh37 (hg19) VCF-style: chr12-994375-C-G.
Other names: c.5185C>G, p.Pro1729Ala (NM_001184985.2); c.3664C>G, p.Pro1222Ala (NM_014823.3); c.5161C>G, p.Pro1721Ala (NM_213655.5); short protein forms P1721A, P1222A, P1469A, P1729A.
Identifiers: ClinVar variation 1414213 (VCV001414213.7), dbSNP rs1320125644, ClinGen allele CA383331158.